The following is an entry in ClinVar:

ClinVar aggregate classification (germline): Uncertain significance (1 of 4 stars; one submission).

Conditions:
Charcot-Marie-Tooth disease type 1F. Also called: CHARCOT-MARIE-TOOTH NEUROPATHY, TYPE 1F; Charcot-Marie-Tooth disease, demyelinating, type 1f. Identifiers: Orphanet 101085, MedGen C1843164, MONDO:0011902, OMIM 607734.

Submission:

Neuberg Centre For Genomic Medicine, NCGM
Classification: Uncertain significance for Charcot-Marie-Tooth disease type 1F. Review status: criteria provided, single submitter. Criteria: ACMG Guidelines, 2015. Collection method: clinical testing. Allele origin: germline. Inheritance: Autosomal dominant inheritance. Affected: yes.
Comment: The missense variant c.311T>G (p.Phe104Cys) in NEFL gene has not been reported previously as a pathogenic variant nor as a benign variant, to our knowledge. This variant has not been reported to the ClinVar database. The p.Phe104Cys variant is novel (not in any individuals) in gnomAD Exomes and 1000 Genomes. The amino acid Phe at position 104 is changed to a Cys changing protein sequence and it might alter its composition and physico-chemical properties. The amino acid change p.Phe104Cys in NEFL is predicted as conserved by GERP++ and PhyloP across 100 vertebrates. For these reasons, this variant has been classified as Uncertain Significance .

NM_006158.5(NEFL):c.311T>G (p.Phe104Cys)

Gene: NEFL (neurofilament light chain; minus strand). Cytogenetic location: 8p21.2.
Variant type: single nucleotide variant.
Coding change: c.311T>G on transcript NM_006158.5 (MANE Select); coding-DNA position 311, T replaced by G.
Protein change: p.Phe104Cys; replaces phenylalanine 104 with cysteine.
Molecular consequence: missense variant.
Genome position (GRCh38, 1-based): chr8:24,956,205, A>C on the plus strand (T>G on the coding strand, the complement: NEFL is on the minus strand). VCF-style: chr8-24956205-A-C. GRCh37 (hg19) VCF-style: chr8-24813719-A-C.
Other names: short protein forms F104C.
Identifiers: ClinVar variation 2585606 (VCV002585606.1), dbSNP rs2486887830, ClinGen allele CA370622833.
Genomic context (GRCh38, chr8:24,956,205, plus strand): 5'-ACCAGCAGCTCGGCTTCCAGGACCTTGTTCTGCTGCTCCAGCTCGTGCACGCGCTCGATG[A>C]AGCTGGCGAAGCGGTCATTGAGGTCCTGGAGCTGCGCCTTCTCCTGCGTGCGGATGGACT-3'
Protein context (NP_006149.2, residues 94-114): LQDLNDRFAS[Phe104Cys]IERVHELEQQ